The following is an entry in ClinVar:

ClinVar aggregate classification (germline): Likely benign. Review status: criteria provided, multiple submitters, no conflicts (2 of 4 stars). 3 submissions from 3 submitters: Likely benign (2). 1 of the submissions does not count toward it. Last evaluated 2026-04-20.

Conditions:
DCHS1-related disorder. Also called: DCHS1-related condition.

Allele frequency attached by ClinVar (database versions not stated): gnomAD 0.00019; ESP Exome Variant Server 0.00023; ExAC 0.00034; gnomAD exomes 0.00011 and 0.00015; TOPMed 0.00013.
gnomAD v4.1: 182 of 1,593,572 alleles (0.011%); highest among the groups gnomAD compares: East Asian, 0.03%; no homozygotes.

Submissions (3):

Women's Health and Genetics/Laboratory Corporation of America, LabCorp
Classification: Likely benign. Last evaluated: 2026-04-20. Review status: criteria provided, single submitter. Criteria: LabCorp Variant Classification Summary - May 2015. Collection method: clinical testing. Allele origin: germline.

Labcorp Genetics (formerly Invitae), Labcorp
Classification: Likely benign. Last evaluated: 2026-01-25. Review status: criteria provided, single submitter. Criteria: Invitae Variant Classification Sherloc (09022015). Collection method: clinical testing. Allele origin: germline.

PreventionGenetics, part of Exact Sciences
Classification: Likely benign for DCHS1-related condition. Last evaluated: 2019-03-05. Review status: no assertion criteria provided. Collection method: clinical testing. Allele origin: germline. Not counted in ClinVar's aggregate classification.
Comment: This variant is classified as likely benign based on ACMG/AMP sequence variant interpretation guidelines (Richards et al. 2015 PMID: 25741868, with internal and published modifications).

NM_003737.4(DCHS1):c.2292C>T (p.Asp764=)

Gene: DCHS1 (dachsous cadherin-related 1; minus strand). Cytogenetic location: 11p15.4.
Variant type: single nucleotide variant.
Coding change: c.2292C>T on transcript NM_003737.4 (MANE Select); coding-DNA position 2292, C replaced by T.
Protein change: p.Asp764=; no amino-acid change (aspartic acid 764 retained).
Molecular consequence: synonymous variant.
Genome position (GRCh38, 1-based): chr11:6,633,575, G>A on the plus strand (C>T on the coding strand, the complement: DCHS1 is on the minus strand). VCF-style: chr11-6633575-G-A. GRCh37 (hg19) VCF-style: chr11-6654806-G-A.
Identifiers: ClinVar variation 749555 (VCV000749555.11), dbSNP rs148545496, ClinGen allele CA5860754.
Genomic context (GRCh38, chr11:6,633,575, plus strand): 5'-GGTTCCAGGCACAATGCTGATGTCCACTCGGGCACTGGGTTCTGCCTGTAGGCCACCTCC[G>A]TCCTCAGCCCCGATCTCCAGCTGCACCACAGAATTGGCCCGTCTGGCCAAGGGCCAGGCT-3'
Protein context (NP_003728.1, residues 754-774): SVVQLEIGAE[Asp764=]GGGLQAEPSA